The following is an entry in ClinVar:

NM_001122681.2(SH3BP2):c.410A>G (p.Asp137Gly)

Gene: SH3BP2 (SH3 domain binding protein 2; plus strand). Cytogenetic location: 4p16.3.
Variant type: single nucleotide variant.
Coding change: c.410A>G on transcript NM_001122681.2 (MANE Select); coding-DNA position 410, A replaced by G.
Protein change: p.Asp137Gly; replaces aspartic acid 137 with glycine.
Molecular consequence: missense variant.
Genome position (GRCh38, 1-based): chr4:2,825,178, A>G. VCF-style: chr4-2825178-A-G. GRCh37 (hg19) VCF-style: chr4-2826905-A-G.
Other names: c.494A>G, p.Asp165Gly (LRG_1334t2, NM_001145855.2); c.410A>G, p.Asp137Gly (LRG_1334t1, NM_003023.4); c.581A>G, p.Asp194Gly (NM_001145856.2); short protein forms D137G, D165G, D194G.
Identifiers: ClinVar variation 525199 (VCV000525199.11), dbSNP rs777468144, ClinGen allele CA2819066.
Genomic context (GRCh38, chr4:2,825,178, plus strand): 5'-ACCTGCAGAGCTGGATGGCCTTGCTGCGCAGGGAGATTGGCCACTTCCACGAAAAGAAAG[A>G]CCTGCCCTTGGACACCAGGTGAGCCCGGGCCCAGGGCATACCGGGCAGTGAGGGTCCCTG-3'
Protein context (NP_001116153.1, residues 127-147): REIGHFHEKK[Asp137Gly]LPLDTSDSSS

ClinVar aggregate classification (germline): Uncertain significance. Review status: criteria provided, multiple submitters, no conflicts (2 of 4 stars). 3 submissions from 3 submitters: Uncertain significance (3). Last evaluated 2025-12-08.

Conditions:
Inborn genetic diseases. Identifiers: MedGen C0950123, MeSH D030342.
Fibrous dysplasia of jaw (CRBM). Also called: Cherubism. Identifiers: Orphanet 184, MedGen C0008029, MONDO:0007315, OMIM 118400.

Allele frequency attached by ClinVar (database versions not stated): gnomAD exomes 0.00001 and 0.00003; gnomAD 0.00003; TOPMed 0.00005.
gnomAD v4.1: 21 of 1,581,368 alleles (0.0013%); highest among the groups gnomAD compares: Admixed American, 0.029%; 1 homozygote.

Submissions (3):

Labcorp Genetics (formerly Invitae), Labcorp
Classification: Uncertain significance for Fibrous dysplasia of jaw. Last evaluated: 2025-12-08. Review status: criteria provided, single submitter. Criteria: Invitae Variant Classification Sherloc (09022015). Collection method: clinical testing. Allele origin: germline.
Comment: This sequence change replaces aspartic acid, which is acidic and polar, with glycine, which is neutral and non-polar, at codon 137 of the SH3BP2 protein (p.Asp137Gly). The frequency data for this variant in the population databases is considered unreliable, as metrics indicate poor data quality at this position in the gnomAD database. This variant has not been reported in the literature in individuals affected with SH3BP2-related conditions. ClinVar contains an entry for this variant (Variation ID: 525199). Invitae Evidence Modeling of protein sequence and biophysical properties (such as structural, functional, and spatial information, amino acid conservation, physicochemical variation, residue mobility, and thermodynamic stability) indicates that this missense variant is not expected to disrupt SH3BP2 protein function with a negative predictive value of 80%. In summary, the available evidence is currently insufficient to determine the role of this variant in disease. Therefore, it has been classified as a Variant of Uncertain Significance.

Ambry Genetics
Classification: Uncertain significance for Inborn genetic diseases. Last evaluated: 2024-02-21. Review status: criteria provided, single submitter. Criteria: Ambry Variant Classification Scheme 2023. Collection method: clinical testing. Allele origin: germline.

Breakthrough Genomics
Classification: Uncertain significance. Review status: criteria provided, single submitter. Criteria: ACMG Guidelines, 2015. Collection method: not provided. Allele origin: germline. Inheritance: Autosomal dominant inheritance. Affected: yes.